The following is an entry in ClinVar:

NM_017534.6(MYH2):c.1624A>G (p.Met542Val)

Genes: MYHAS (myosin heavy chain gene cluster antisense RNA; plus strand), MYH2 (myosin heavy chain 2; minus strand). Cytogenetic location: 17p13.1.
Variant type: single nucleotide variant.
Coding change: c.1624A>G on transcript NM_017534.6 (MANE Select); coding-DNA position 1624, A replaced by G.
Protein change: p.Met542Val; replaces methionine 542 with valine.
Molecular consequence: missense variant.
Genome position (GRCh38, 1-based): chr17:10,537,506, T>C on the plus strand (A>G on the coding strand, the complement: MYH2 is on the minus strand). VCF-style: chr17-10537506-T-C. GRCh37 (hg19) VCF-style: chr17-10440823-T-C.
Other names: c.1624A>G, p.Met542Val (NM_001100112.2); short protein forms M542V.
Identifiers: ClinVar variation 3018392 (VCV003018392.3), dbSNP rs1207854150, ClinGen allele CA398156339.

ClinVar aggregate classification (germline): Uncertain significance (1 of 4 stars; one submission).

Conditions:
Myopathy, proximal, and ophthalmoplegia (CMYO6). Also called: CONGENITAL MYOPATHY 6 WITH OPHTHALMOPLEGIA; MYOPATHY WITH CONGENITAL JOINT CONTRACTURES, OPHTHALMOPLEGIA, AND RIMMED VACUOLES; INCLUSION BODY MYOPATHY 3, AUTOSOMAL DOMINANT. Identifiers: Orphanet 363677, Orphanet 79091, MedGen C1854106, MONDO:0011577, OMIM 605637.

Allele frequency attached by ClinVar (database versions not stated): gnomAD 0.00001; TOPMed 0.00001.
gnomAD v4.1: 5 of 1,614,084 alleles (0.00031%); highest among the groups gnomAD compares: Non-Finnish European, 0.00034%; no homozygotes.

Submission:

Labcorp Genetics (formerly Invitae), Labcorp
Classification: Uncertain significance for Myopathy, proximal, and ophthalmoplegia. Last evaluated: 2023-08-27. Review status: criteria provided, single submitter. Criteria: Invitae Variant Classification Sherloc (09022015). Collection method: clinical testing. Allele origin: germline.
Comment: This sequence change replaces methionine, which is neutral and non-polar, with valine, which is neutral and non-polar, at codon 542 of the MYH2 protein (p.Met542Val). This variant is not present in population databases (gnomAD no frequency). This variant has not been reported in the literature in individuals affected with MYH2-related conditions. Advanced modeling of protein sequence and biophysical properties (such as structural, functional, and spatial information, amino acid conservation, physicochemical variation, residue mobility, and thermodynamic stability) performed at Invitae indicates that this missense variant is not expected to disrupt MYH2 protein function. In summary, the available evidence is currently insufficient to determine the role of this variant in disease. Therefore, it has been classified as a Variant of Uncertain Significance.